The following is an entry in ClinVar:

ClinVar aggregate classification (germline): Uncertain significance (1 of 4 stars; one submission).

Conditions:
Inborn genetic diseases. Identifiers: MedGen C0950123, MeSH D030342.

gnomAD v4.1: 3 of 1,614,132 alleles (0.00019%); highest among the groups gnomAD compares: Non-Finnish European, 0.00017%; no homozygotes.

Submission:

Ambry Genetics
Classification: Uncertain significance for Inborn genetic diseases. Last evaluated: 2026-09-06. Review status: criteria provided, single submitter. Criteria: Ambry Variant Classification Scheme 2023. Collection method: clinical testing. Allele origin: germline.
Comment: The p.N242S variant (also known as c.725A>G), located in coding exon 6 of the BMPR2 gene, results from an A to G substitution at nucleotide position 725. The asparagine at codon 242 is replaced by serine, an amino acid with highly similar properties. This amino acid position is conserved. In addition, the in silico prediction for this alteration is inconclusive. Based on the available evidence, the clinical significance of this variant remains unclear.

NM_001204.7(BMPR2):c.725A>G (p.Asn242Ser)

Gene: BMPR2 (bone morphogenetic protein receptor type 2; plus strand). Cytogenetic location: 2q33.2.
Variant type: single nucleotide variant.
Coding change: c.725A>G on transcript NM_001204.7 (MANE Select); coding-DNA position 725, A replaced by G.
Protein change: p.Asn242Ser; replaces asparagine 242 with serine.
Molecular consequence: missense variant.
Genome position (GRCh38, 1-based): chr2:202,518,925, A>G. VCF-style: chr2-202518925-A-G. GRCh37 (hg19) VCF-style: chr2-203383648-A-G.
Other names: short protein forms N242S.
Identifiers: ClinVar variation 5033135 (VCV005033135.1).